The following is an entry in ClinVar:

ClinVar aggregate classification (germline): Uncertain significance (1 of 4 stars; one submission).

Conditions:
Cardiovascular phenotype. Identifiers: MedGen CN230736.

Submission:

Ambry Genetics
Classification: Uncertain significance for Cardiovascular phenotype. Last evaluated: 2021-04-27. Review status: criteria provided, single submitter. Criteria: Ambry Variant Classification Scheme 2023. Collection method: clinical testing. Allele origin: germline.
Comment: The c.2622+3A>G intronic variant results from an A to G substitution 3 nucleotides after coding exon 20 in the DMD gene. This nucleotide position is not well conserved in available vertebrate species. In silico splice site analysis for this alteration is inconclusive. Since supporting evidence is limited at this time, the clinical significance of this alteration remains unclear.

NM_004006.3(DMD):c.2622+3A>G

Gene: DMD (dystrophin; minus strand). Cytogenetic location: Xp21.1.
Variant type: single nucleotide variant.
Coding change: c.2622+3A>G on transcript NM_004006.3 (MANE Select); 3 bases into the intron after coding-DNA position 2622, A replaced by G.
Molecular consequence: intron variant.
Genome position (GRCh38, 1-based): chrX:32,491,274, T>C on the plus strand (A>G on the coding strand, the complement: DMD is on the minus strand). VCF-style: chrX-32491274-T-C. GRCh37 (hg19) VCF-style: chrX-32509391-T-C.
Other names: c.2598+3A>G (NM_000109.4); c.2610+3A>G (NM_004009.3); c.2253+3A>G (NM_004010.3).
Identifiers: ClinVar variation 1793959 (VCV001793959.2), dbSNP rs2525047163, ClinGen allele CA2580100659.